The following is an entry in ClinVar:

ClinVar aggregate classification (germline): Uncertain significance (1 of 4 stars; one submission).

Allele frequency attached by ClinVar (database versions not stated): ExAC 0.00001.
gnomAD v4.1: 1 of 1,608,628 alleles (0.000062%); highest among the groups gnomAD compares: African/African-American, 0.0013%; no homozygotes.

Submission:

Labcorp Genetics (formerly Invitae), Labcorp
Classification: Uncertain significance. Last evaluated: 2023-07-17. Review status: criteria provided, single submitter. Criteria: Invitae Variant Classification Sherloc (09022015). Collection method: clinical testing. Allele origin: germline.
Comment: In summary, the available evidence is currently insufficient to determine the role of this variant in disease. Therefore, it has been classified as a Variant of Uncertain Significance. Advanced modeling of protein sequence and biophysical properties (such as structural, functional, and spatial information, amino acid conservation, physicochemical variation, residue mobility, and thermodynamic stability) performed at Invitae indicates that this missense variant is not expected to disrupt SBF1 protein function. ClinVar contains an entry for this variant (Variation ID: 2019478). This variant has not been reported in the literature in individuals affected with SBF1-related conditions. The frequency data for this variant in the population databases is considered unreliable, as metrics indicate poor data quality at this position in the gnomAD database. This sequence change replaces aspartic acid, which is acidic and polar, with glutamic acid, which is acidic and polar, at codon 787 of the SBF1 protein (p.Asp787Glu).

NM_002972.4(SBF1):c.2361C>A (p.Asp787Glu)

Gene: SBF1 (SET binding factor 1; minus strand). Cytogenetic location: 22q13.33.
Variant type: single nucleotide variant.
Coding change: c.2361C>A on transcript NM_002972.4 (MANE Select); coding-DNA position 2361, C replaced by A.
Protein change: p.Asp787Glu; replaces aspartic acid 787 with glutamic acid.
Molecular consequence: missense variant.
Genome position (GRCh38, 1-based): chr22:50,462,240, G>T on the plus strand (C>A on the coding strand, the complement: SBF1 is on the minus strand). VCF-style: chr22-50462240-G-T. GRCh37 (hg19) VCF-style: chr22-50900669-G-T.
Other names: c.2364C>A, p.Asp788Glu (NM_001365819.1, NM_001410794.1); c.2361C>A, p.Asp787Glu (NM_001410795.1, NM_197971.1); short protein forms D788E, D787E.
Identifiers: ClinVar variation 2019478 (VCV002019478.4), dbSNP rs762142283, ClinGen allele CA10317258.